The following is an entry in ClinVar:

NM_001003841.3(SLC6A19):c.794C>T (p.Pro265Leu)

Gene: SLC6A19 (solute carrier family 6 member 19; plus strand). Cytogenetic location: 5p15.33.
Variant type: single nucleotide variant.
Coding change: c.794C>T on transcript NM_001003841.3 (MANE Select); coding-DNA position 794, C replaced by T.
Protein change: p.Pro265Leu; replaces proline 265 with leucine.
Molecular consequence: missense variant.
Genome position (GRCh38, 1-based): chr5:1,213,972, C>T. VCF-style: chr5-1213972-C-T. GRCh37 (hg19) VCF-style: chr5-1214087-C-T.
Other names: c.794C>T (NM_001003841.2); short protein forms P265L.
Identifiers: ClinVar variation 3591622 (VCV003591622.2).

ClinVar aggregate classification (germline): Conflicting classifications of pathogenicity. Review status: criteria provided, conflicting classifications (1 of 4 stars). 2 submissions from 2 submitters: Likely pathogenic (1); Uncertain significance (1). Last evaluated 2025-02-26.

Conditions:
Neutral 1 amino acid transport defect (HND). Also called: HARTNUP DISORDER; Hartnup disease. Identifiers: Orphanet 2116, MedGen C0018609, MONDO:0009324, OMIM 234500.
SLC6A19-related disorder. Also called: SLC6A19-related condition.

gnomAD v4.1: 186 of 1,613,472 alleles (0.012%); highest among the groups gnomAD compares: Middle Eastern, 0.016%; no homozygotes.

Submissions (2):

PreventionGenetics, part of Exact Sciences
Classification: Likely pathogenic for SLC6A19-related condition. Last evaluated: 2025-02-26. Review status: criteria provided, single submitter. Criteria: ACMG Guidelines, 2015. Collection method: clinical testing. Allele origin: germline.
Comment: The SLC6A19 c.794C>T variant is predicted to result in the amino acid substitution p.Pro265Leu. This variant has been reported in the compound heterozygous state with a second pathogenic variant in two affected siblings with Hartnup disorder (Camargo et al. 2009. PubMed ID: 19185582, Supplementary Figure 3). Functional studied showed that the low transport activity of this variant cannot be activated by coexpression with the kidney-specific accessory protein collectrin (Camargo et al. 2009. PubMed ID: 19185582). This variant is reported in 0.013% of alleles in individuals of South Asian descent in gnomAD. This variant is interpreted as likely pathogenic.

Fulgent Genetics
Classification: Uncertain significance for Neutral 1 amino acid transport defect. Last evaluated: 2024-05-24. Review status: criteria provided, single submitter. Criteria: ACMG Guidelines, 2015. Collection method: clinical testing. Allele origin: germline.